The following is an entry in ClinVar:

NM_032638.5(GATA2):c.1207A>G (p.Lys403Glu)

Gene: GATA2 (GATA binding protein 2; minus strand). Cytogenetic location: 3q21.3.
Variant type: single nucleotide variant.
Coding change: c.1207A>G on transcript NM_032638.5 (MANE Select); coding-DNA position 1207, A replaced by G.
Protein change: p.Lys403Glu; replaces lysine 403 with glutamic acid.
Molecular consequence: missense variant.
Genome position (GRCh38, 1-based): chr3:128,481,255, T>C on the plus strand (A>G on the coding strand, the complement: GATA2 is on the minus strand). VCF-style: chr3-128481255-T-C. GRCh37 (hg19) VCF-style: chr3-128200098-T-C.
Other names: c.1207A>G, p.Lys403Glu (NM_001145661.2); c.1165A>G, p.Lys389Glu (NM_001145662.1); short protein forms K389E, K403E.
Identifiers: ClinVar variation 4028473 (VCV004028473.3).
Genomic context (GRCh38, chr3:128,481,255, plus strand): 5'-CCTGCATGCACTTTGACAGCTCCTCGAAGCACTCCGCCCCTTTCTTGCTCTTCTTGGACT[T>C]GTTGGACATCTTCCGGTTCCGAGTCTGGATCCCTTCCTTCTTCATGGTCAGTGGCCTGTT-3'
Protein context (NP_116027.2, residues 393-413): IQTRNRKMSN[Lys403Glu]SKKSKKGAEC

ClinVar aggregate classification (germline): Uncertain significance. Review status: criteria provided, multiple submitters, no conflicts (2 of 4 stars). 3 submissions from 3 submitters: Uncertain significance (3). Last evaluated 2026-05-16.

Conditions:
Deafness-lymphedema-leukemia syndrome. Also called: Lymphedema, primary, with myelodysplasia; Emberger syndrome. Identifiers: Orphanet 3226, MedGen C3279664, MONDO:0013540, OMIM 614038.
Monocytopenia with susceptibility to infections. Also called: IMMUNODEFICIENCY 21; Dendritic cell, monocyte, B lymphocyte, and natural killer lymphocyte deficiency; MONOCYTOPENIA AND MYCOBACTERIAL INFECTION SYNDROME; MONOCYTOPENIA WITH SUSCEPTIBILITY TO MYCOBACTERIAL, FUNGAL, AND PAPILLOMAVIRUS INFECTIONS AND MYELODYSPLASIA; COMBINED IMMUNODEFICIENCY WITH SUSCEPTIBILITY TO MYCOBACTERIAL, VIRAL, AND FUNGAL INFECTIONS; GATA2 DEFICIENCY. Identifiers: Orphanet 228423, MedGen C3280030, MONDO:0013607, OMIM 614172.
GATA2-related disorder. Also called: GATA2-Related Disorders; GATA2-related condition.
Inborn genetic diseases. Identifiers: MedGen C0950123, MeSH D030342.

Submissions (3):

PreventionGenetics, part of Exact Sciences
Classification: Uncertain significance for GATA2-related condition. Last evaluated: 2026-05-16. Review status: criteria provided, single submitter. Criteria: ACMG Guidelines, 2015. Collection method: clinical testing. Allele origin: germline.
Comment: The GATA2 c.1207A>G variant is predicted to result in the amino acid substitution p.Lys403Glu. To our knowledge, this variant has not been reported in the literature or in a large population database (gnomAD), indicating this variant is rare. At this time, the clinical significance of this variant is uncertain due to the absence of conclusive functional and genetic evidence.

Labcorp Genetics (formerly Invitae), Labcorp
Classification: Uncertain significance for Monocytopenia with susceptibility to infections; Deafness-lymphedema-leukemia syndrome. Last evaluated: 2025-07-13. Review status: criteria provided, single submitter. Criteria: Invitae Variant Classification Sherloc (09022015). Collection method: clinical testing. Allele origin: germline.
Comment: This sequence change replaces lysine, which is basic and polar, with glutamic acid, which is acidic and polar, at codon 403 of the GATA2 protein (p.Lys403Glu). This variant is not present in population databases (gnomAD no frequency). This variant has not been reported in the literature in individuals affected with GATA2-related conditions. Invitae Evidence Modeling of protein sequence and biophysical properties (such as structural, functional, and spatial information, amino acid conservation, physicochemical variation, residue mobility, and thermodynamic stability) indicates that this missense variant is expected to disrupt GATA2 protein function with a positive predictive value of 80%. In summary, the available evidence is currently insufficient to determine the role of this variant in disease. Therefore, it has been classified as a Variant of Uncertain Significance.

Ambry Genetics
Classification: Uncertain significance for Inborn genetic diseases. Last evaluated: 2025-03-28. Review status: criteria provided, single submitter. Criteria: Ambry Variant Classification Scheme 2023. Collection method: clinical testing. Allele origin: germline.
Comment: The p.K403E variant (also known as c.1207A>G), located in coding exon 5 of the GATA2 gene, results from an A to G substitution at nucleotide position 1207. The lysine at codon 403 is replaced by glutamic acid, an amino acid with similar properties. This amino acid position is conserved. In addition, this alteration is predicted to be deleterious by in silico analysis. Based on the available evidence, the clinical significance of this variant remains unclear.